The following is an entry in ClinVar:

ClinVar aggregate classification (germline): Likely pathogenic (1 of 4 stars; one submission).

Submission:

Institute for Clinical Genetics, University Hospital TU Dresden, University Hospital TU Dresden
Classification: Likely pathogenic. Last evaluated: 2021-12-29. Review status: criteria provided, single submitter. Criteria: ACMG Guidelines, 2015. Collection method: clinical testing. Allele origin: germline.
Comment: PVS1, PM2_SUP

NM_001197104.2(KMT2A):c.3044del (p.Lys1015fs)

Gene: KMT2A (lysine methyltransferase 2A; plus strand). Cytogenetic location: 11q23.3.
Variant type: Deletion.
Coding change: c.3044del on transcript NM_001197104.2 (MANE Select); coding-DNA position 3044, one base deleted (A; older notation c.3044delA).
Protein change: p.Lys1015fs; shifts the reading frame from lysine 1015.
Molecular consequence: frameshift variant.
Genome position (GRCh38, 1-based): chr11:118,474,203, A deleted; the last of 2 consecutive A bases (chr11:118,474,202-118,474,203); deleting either gives the same sequence. VCF-style (leftmost placement, unchanged base first): chr11-118474201-CA-C. GRCh37 (hg19) VCF-style: chr11-118344916-CA-C.
Other names: c.3143del, p.Lys1048fs (NM_001412597.1); c.3044del, p.Lys1015fs (NM_005933.4); short protein forms K1015fs, K1048fs.
Identifiers: ClinVar variation 2576190 (VCV002576190.1), dbSNP rs2496817982, ClinGen allele CA2580615078.